The following is an entry in ClinVar:

NM_015331.3(NCSTN):c.1428C>G (p.Asp476Glu)

Gene: NCSTN (nicastrin; plus strand). Cytogenetic location: 1q23.2.
Variant type: single nucleotide variant.
Coding change: c.1428C>G on transcript NM_015331.3 (MANE Select); coding-DNA position 1428, C replaced by G.
Protein change: p.Asp476Glu; replaces aspartic acid 476 with glutamic acid.
Molecular consequence: missense variant.
Genome position (GRCh38, 1-based): chr1:160,355,730, C>G. VCF-style: chr1-160355730-C-G. GRCh37 (hg19) VCF-style: chr1-160325520-C-G.
Other names: c.1368C>G, p.Asp456Glu (NM_001290184.2); c.1014C>G, p.Asp338Glu (NM_001290186.2); c.1428C>G, p.Asp476Glu (NM_001349729.2); short protein forms D476E, D338E, D456E.
Identifiers: ClinVar variation 2993640 (VCV002993640.3), dbSNP rs1356464837, ClinGen allele CA343281941.

ClinVar aggregate classification (germline): Uncertain significance (1 of 4 stars; one submission).

Allele frequency attached by ClinVar (database versions not stated): gnomAD 0.00001; gnomAD exomes 0.00001.

Submission:

Labcorp Genetics (formerly Invitae), Labcorp
Classification: Uncertain significance. Last evaluated: 2025-03-05. Review status: criteria provided, single submitter. Criteria: Invitae Variant Classification Sherloc (09022015). Collection method: clinical testing. Allele origin: germline.
Comment: This sequence change replaces aspartic acid, which is acidic and polar, with glutamic acid, which is acidic and polar, at codon 476 of the NCSTN protein (p.Asp476Glu). This variant is present in population databases (no rsID available, gnomAD 0.0009%). This variant has not been reported in the literature in individuals affected with NCSTN-related conditions. ClinVar contains an entry for this variant (Variation ID: 2993640). An algorithm developed to predict the effect of missense changes on protein structure and function outputs the following: PolyPhen-2: "Benign". The glutamic acid amino acid residue is found in multiple mammalian species, which suggests that this missense change does not adversely affect protein function. In summary, the available evidence is currently insufficient to determine the role of this variant in disease. Therefore, it has been classified as a Variant of Uncertain Significance.